The following is an entry in ClinVar:

NM_007186.6(CEP250):c.6658C>T (p.Arg2220Trp)

Gene: CEP250 (centrosomal protein 250; plus strand). Cytogenetic location: 20q11.22.
Variant type: single nucleotide variant.
Coding change: c.6658C>T on transcript NM_007186.6 (MANE Select); coding-DNA position 6658, C replaced by T.
Protein change: p.Arg2220Trp; replaces arginine 2220 with tryptophan.
Molecular consequence: missense variant.
Genome position (GRCh38, 1-based): chr20:35,507,759, C>T. VCF-style: chr20-35507759-C-T. GRCh37 (hg19) VCF-style: chr20-34095588-C-T.
Other names: c.6658C>T (NM_007186.3); c.4762C>T, p.Arg1588Trp (NM_001318219.1); short protein forms R1588W, R2220W.
Identifiers: ClinVar variation 1362050 (VCV001362050.6), dbSNP rs199913444, ClinGen allele CA314164145.

ClinVar aggregate classification (germline): Uncertain significance. Review status: criteria provided, multiple submitters, no conflicts (2 of 4 stars). 2 submissions from 2 submitters: Uncertain significance (2). Last evaluated 2026-01-16.

Allele frequency attached by ClinVar (database versions not stated): gnomAD exomes 0.00002; gnomAD 0.00003 and 0.00004; TOPMed 0.00003.
gnomAD v4.1: 25 of 1,555,298 alleles (0.0016%); highest among the groups gnomAD compares: African/African-American, 0.0068%; no homozygotes.

Submissions (2):

Labcorp Genetics (formerly Invitae), Labcorp
Classification: Uncertain significance. Last evaluated: 2026-01-16. Review status: criteria provided, single submitter. Criteria: Invitae Variant Classification Sherloc (09022015). Collection method: clinical testing. Allele origin: germline.
Comment: This sequence change replaces arginine, which is basic and polar, with tryptophan, which is neutral and slightly polar, at codon 2220 of the CEP250 protein (p.Arg2220Trp). This variant is present in population databases (rs199913444, gnomAD 0.01%). This variant has not been reported in the literature in individuals affected with CEP250-related conditions. ClinVar contains an entry for this variant (Variation ID: 1362050). An algorithm developed to predict the effect of missense changes on protein structure and function (PolyPhen-2) suggests that this variant is likely to be tolerated. In summary, the available evidence is currently insufficient to determine the role of this variant in disease. Therefore, it has been classified as a Variant of Uncertain Significance.

Ambry Genetics
Classification: Uncertain significance. Last evaluated: 2025-05-25. Review status: criteria provided, single submitter. Criteria: Ambry Variant Classification Scheme 2023. Collection method: clinical testing. Allele origin: germline.